The following is an entry in ClinVar:

ClinVar aggregate classification (germline): Uncertain significance (1 of 4 stars; one submission).

Submission:

Labcorp Genetics (formerly Invitae), Labcorp
Classification: Uncertain significance. Last evaluated: 2023-06-29. Review status: criteria provided, single submitter. Criteria: Invitae Variant Classification Sherloc (09022015). Collection method: clinical testing. Allele origin: germline.
Comment: In summary, the available evidence is currently insufficient to determine the role of this variant in disease. Therefore, it has been classified as a Variant of Uncertain Significance. An algorithm developed to predict the effect of missense changes on protein structure and function (PolyPhen-2) suggests that this variant is likely to be disruptive. This variant has not been reported in the literature in individuals affected with KIDINS220-related conditions. This variant is not present in population databases (gnomAD no frequency). This sequence change replaces tyrosine, which is neutral and polar, with cysteine, which is neutral and slightly polar, at codon 1383 of the KIDINS220 protein (p.Tyr1383Cys).

NM_020738.4(KIDINS220):c.4148A>G (p.Tyr1383Cys)

Gene: KIDINS220 (kinase D interacting substrate 220; minus strand). Cytogenetic location: 2p25.1.
Variant type: single nucleotide variant.
Coding change: c.4148A>G on transcript NM_020738.4 (MANE Select); coding-DNA position 4148, A replaced by G.
Protein change: p.Tyr1383Cys; replaces tyrosine 1383 with cysteine.
Molecular consequence: missense variant. On other transcripts: intron variant (6).
Genome position (GRCh38, 1-based): chr2:8,731,888, T>C on the plus strand (A>G on the coding strand, the complement: KIDINS220 is on the minus strand). VCF-style: chr2-8731888-T-C. GRCh37 (hg19) VCF-style: chr2-8872018-T-C.
Other names: c.4151A>G, p.Tyr1384Cys (NM_001348729.2); c.4094A>G, p.Tyr1365Cys (NM_001348731.2); c.4091A>G, p.Tyr1364Cys (NM_001348732.2); c.3980A>G, p.Tyr1327Cys (NM_001348734.2); c.3977A>G, p.Tyr1326Cys (NM_001348735.2); c.3851A>G, p.Tyr1284Cys (NM_001348736.2); c.3882+1556A>G (NM_001348741.2, NM_001348742.2, NM_001348743.2); c.3996+1556A>G (NM_001348738.2); and 1 more; short protein forms Y1326C, Y1384C, Y1383C, Y1364C, Y1365C, Y1284C, Y1327C.
Identifiers: ClinVar variation 2726196 (VCV002726196.3), dbSNP rs2527408525, ClinGen allele CA345765807.
Genomic context (GRCh38, chr2:8,731,888, plus strand): 5'-GACCCGGGGCCCCCTTCTAACTGGGACATCTGAGCAATGTATTCTCTATAGGCATCTCTA[T>C]ACTCGGCCTGCACCTTATCAGTAAGCTTTGAAATTTCAATACTGGAATCCTGGGAATTGA-3'
Protein context (NP_065789.1, residues 1373-1393): SKLTDKVQAE[Tyr1383Cys]RDAYREYIAQ